The following is an entry in ClinVar:

Conditions:
Long QT syndrome 5 (LQT5). Identifiers: Orphanet 101016, Orphanet 768, MedGen C1867904, MONDO:0013372, OMIM 613695.

Submission:

Roden Lab, Vanderbilt University Medical Center
No classification provided (evidence only). Condition: Long QT syndrome 5. Review status: no classification provided. Collection method: in vitro. Allele origin: not applicable. Functional consequence: Effect on ion channel function.
ClinVar note: "not provided" was previously submitted as the classification for the variant. However, the classification appeared to be based only on an observation of functional data so it was converted to no classification on 2025-07-30.

NM_000219.6(KCNE1):c.76A>G (p.Asn26Asp)

Gene: KCNE1 (potassium voltage-gated channel subfamily E regulatory subunit 1; minus strand). Cytogenetic location: 21q22.12.
Variant type: single nucleotide variant.
Coding change: c.76A>G on transcript NM_000219.6 (MANE Select); coding-DNA position 76, A replaced by G.
Protein change: p.Asn26Asp; replaces asparagine 26 with aspartic acid.
Molecular consequence: missense variant.
Genome position (GRCh38, 1-based): chr21:34,449,559, T>C on the plus strand (A>G on the coding strand, the complement: KCNE1 is on the minus strand). VCF-style: chr21-34449559-T-C. GRCh37 (hg19) VCF-style: chr21-35821857-T-C.
Other names: c.76A>G, p.Asn26Asp (NM_001127668.4, NM_001127669.4, NM_001127670.4 and 4 more transcripts); short protein forms N26D.
Identifiers: ClinVar variation 3373983 (VCV003373983.2).